The following is an entry in ClinVar:

ClinVar aggregate classification (germline): Likely benign (0 of 4 stars; one submission).

Conditions:
DNAH2-related disorder. Also called: DNAH2-related condition.

Allele frequency attached by ClinVar (database versions not stated): gnomAD exomes 0.00057; ExAC 0.00211; gnomAD 0.00648; ESP Exome Variant Server 0.00692; 1000 Genomes Project 0.00839; TOPMed 0.00759; 1000 Genomes Project 30x 0.00828.
gnomAD v4.1: 1,869 of 1,614,198 alleles (0.12%); highest among the groups gnomAD compares: African/African-American, 2.1%; 14 homozygotes.

Submission:

PreventionGenetics, part of Exact Sciences
Classification: Likely benign for DNAH2-related condition. Last evaluated: 2019-04-24. Review status: no assertion criteria provided. Collection method: clinical testing. Allele origin: germline.
Comment: This variant is classified as likely benign based on ACMG/AMP sequence variant interpretation guidelines (Richards et al. 2015 PMID: 25741868, with internal and published modifications).

NM_020877.5(DNAH2):c.5328C>T (p.Leu1776=)

Gene: DNAH2 (dynein axonemal heavy chain 2; plus strand). Cytogenetic location: 17p13.1.
Variant type: single nucleotide variant.
Coding change: c.5328C>T on transcript NM_020877.5 (MANE Select); coding-DNA position 5328, C replaced by T.
Protein change: p.Leu1776=; no amino-acid change (leucine 1776 retained).
Molecular consequence: synonymous variant.
Genome position (GRCh38, 1-based): chr17:7,778,157, C>T. VCF-style: chr17-7778157-C-T. GRCh37 (hg19) VCF-style: chr17-7681475-C-T.
Identifiers: ClinVar variation 3043854 (VCV003043854.2), dbSNP rs115655646, ClinGen allele CA8357417.